The following is an entry in ClinVar:

ClinVar aggregate classification (germline): Uncertain significance. Review status: criteria provided, multiple submitters, no conflicts (2 of 4 stars). 2 submissions from 2 submitters: Uncertain significance (2). Last evaluated 2024-10-21.

Conditions:
Majeed syndrome (MJDS). Also called: LPIN2-Related Majeed Syndrome; CHRONIC RECURRENT MULTIFOCAL OSTEOMYELITIS 1, WITH CONGENITAL DYSERYTHROPOIETIC ANEMIA, WITH OR WITHOUT NEUTROPHILIC DERMATOSIS. Identifiers: Orphanet 77297, MedGen C1864997, MONDO:0012316, OMIM 609628.

gnomAD v4.1: 54 of 1,613,914 alleles (0.0033%); highest among the groups gnomAD compares: Non-Finnish European, 0.0042%; no homozygotes.

Submissions (2):

Labcorp Genetics (formerly Invitae), Labcorp
Classification: Uncertain significance for Majeed syndrome. Last evaluated: 2024-10-21. Review status: criteria provided, single submitter. Criteria: Invitae Variant Classification Sherloc (09022015). Collection method: clinical testing. Allele origin: germline.
Comment: This sequence change falls in intron 9 of the LPIN2 gene. It does not directly change the encoded amino acid sequence of the LPIN2 protein. It affects a nucleotide within the consensus splice site. This variant is present in population databases (rs767379049, gnomAD 0.006%). This variant has not been reported in the literature in individuals affected with LPIN2-related conditions. ClinVar contains an entry for this variant (Variation ID: 2044504). Variants that disrupt the consensus splice site are a relatively common cause of aberrant splicing (PMID: 17576681, 9536098). Algorithms developed to predict the effect of sequence changes on RNA splicing suggest that this variant is not likely to affect RNA splicing. In summary, the available evidence is currently insufficient to determine the role of this variant in disease. Therefore, it has been classified as a Variant of Uncertain Significance.

GeneDx
Classification: Uncertain significance. Last evaluated: 2023-10-01. Review status: criteria provided, single submitter. Criteria: GeneDx Variant Classification Process June 2021. Collection method: clinical testing. Allele origin: germline. Affected: yes.
Comment: In silico analysis supports that this variant does not alter splicing; Has not been previously published as pathogenic or benign to our knowledge

Literature cited by the submitters: PubMed 17576681 (cited by Labcorp Genetics (formerly Invitae), Labcorp); PubMed 9536098 (cited by Labcorp Genetics (formerly Invitae), Labcorp).

NM_001375808.2(LPIN2):c.1456+5G>T

Gene: LPIN2 (lipin 2; minus strand). Cytogenetic location: 18p11.31.
Variant type: single nucleotide variant.
Coding change: c.1456+5G>T on transcript NM_001375808.2 (MANE Select); 5 bases into the intron after coding-DNA position 1456, G replaced by T.
Molecular consequence: intron variant.
Genome position (GRCh38, 1-based): chr18:2,931,251, C>A on the plus strand (G>T on the coding strand, the complement: LPIN2 is on the minus strand). VCF-style: chr18-2931251-C-A. GRCh37 (hg19) VCF-style: chr18-2931249-C-A.
Other names: c.1456+5G>T (NM_014646.2, NM_001375809.1).
Identifiers: ClinVar variation 2044504 (VCV002044504.4), dbSNP rs767379049, ClinGen allele CA8873107.